The following is an entry in ClinVar:

ClinVar aggregate classification (germline): Uncertain significance. Review status: criteria provided, multiple submitters, no conflicts (2 of 4 stars). 2 submissions from 2 submitters: Uncertain significance (2). Last evaluated 2025-05-06.

Conditions:
Hereditary cancer-predisposing syndrome. Also called: Hereditary neoplastic syndrome; Neoplastic Syndromes, Hereditary; Hereditary Cancer Syndrome; Tumor predisposition. Identifiers: Orphanet 140162, MedGen C0027672, MeSH D009386, MONDO:0015356.
Fanconi anemia complementation group O. Also called: RAD51C-Related Fanconi Anemia. Identifiers: Orphanet 84, MedGen C3150653, MONDO:0013248, OMIM 613390.

Submissions (2):

Labcorp Genetics (formerly Invitae), Labcorp
Classification: Uncertain significance for Fanconi anemia complementation group O. Last evaluated: 2025-05-06. Review status: criteria provided, single submitter. Criteria: Invitae Variant Classification Sherloc (09022015). Collection method: clinical testing. Allele origin: germline.
Comment: This sequence change replaces histidine, which is basic and polar, with proline, which is neutral and non-polar, at codon 95 of the RAD51C protein (p.His95Pro). This variant is not present in population databases (gnomAD no frequency). This variant has not been reported in the literature in individuals affected with RAD51C-related conditions. ClinVar contains an entry for this variant (Variation ID: 572263). Invitae Evidence Modeling of protein sequence and biophysical properties (such as structural, functional, and spatial information, amino acid conservation, physicochemical variation, residue mobility, and thermodynamic stability) indicates that this missense variant is not expected to disrupt RAD51C protein function with a negative predictive value of 80%. In summary, the available evidence is currently insufficient to determine the role of this variant in disease. Therefore, it has been classified as a Variant of Uncertain Significance.

Color Diagnostics, LLC DBA Color Health
Classification: Uncertain significance for Hereditary cancer-predisposing syndrome. Last evaluated: 2023-12-05. Review status: criteria provided, single submitter. Criteria: ACMG Guidelines, 2015. Collection method: clinical testing. Allele origin: germline.
Comment: This missense variant replaces histidine with proline at codon 95 of the RAD51C protein. Computational prediction suggests that this variant may not impact protein structure and function (internally defined REVEL score threshold <= 0.5, PMID: 27666373). To our knowledge, functional studies have not been reported for this variant. This variant has not been reported in individuals affected with RAD51C-related disorders in the literature. This variant has not been identified in the general population by the Genome Aggregation Database (gnomAD). The available evidence is insufficient to determine the role of this variant in disease conclusively. Therefore, this variant is classified as a Variant of Uncertain Significance.

NM_058216.3(RAD51C):c.284A>C (p.His95Pro)

Gene: RAD51C (RAD51 paralog C; plus strand). Cytogenetic location: 17q22.
Variant type: single nucleotide variant.
Coding change: c.284A>C on transcript NM_058216.3 (MANE Select); coding-DNA position 284, A replaced by C.
Protein change: p.His95Pro; replaces histidine 95 with proline.
Molecular consequence: missense variant. On other transcripts: non-coding transcript variant (2).
Genome position (GRCh38, 1-based): chr17:58,695,069, A>C. VCF-style: chr17-58695069-A-C. GRCh37 (hg19) VCF-style: chr17-56772430-A-C.
Other names: c.284A>C, p.His95Pro (NM_002876.4); short protein forms H95P.
Identifiers: ClinVar variation 572263 (VCV000572263.12), dbSNP rs1567786210, ClinGen allele CA400340844.
Genomic context (GRCh38, chr17:58,695,069, plus strand): 5'-ATGCTGGTACATCTGAGTCACACAAGAAGTGTACAGCACTGGAACTTCTTGAGCAGGAGC[A>C]TACCCAGGGCTTCATAATCACCTTCTGTTCAGCACTAGATGATATTCTTGGGGGTGGAGT-3'
Protein context (NP_478123.1, residues 85-105): CTALELLEQE[His95Pro]TQGFIITFCS